The following is an entry in ClinVar:

ClinVar aggregate classification (germline): Pathogenic/Likely pathogenic. Review status: criteria provided, multiple submitters, no conflicts (2 of 4 stars). 3 submissions from 3 submitters: Pathogenic (2); Likely pathogenic (1). Last evaluated 2024-11-05.

Conditions:
NEU1-related disorders.
Sialidosis type 2. Also called: NEURAMINIDASE DEFICIENCY; GLYCOPROTEIN NEURAMINIDASE DEFICIENCY; LIPOMUCOPOLYSACCHARIDOSIS; ML I; NEU DEFICIENCY; NEUG DEFICIENCY. Identifiers: Orphanet 812, Orphanet 87876, MedGen C4282398, MONDO:0009738, OMIM 256550.

Allele frequency attached by ClinVar (database versions not stated): gnomAD exomes 0.00002.
gnomAD v4.1: 29 of 1,613,018 alleles (0.0018%); highest among the groups gnomAD compares: Non-Finnish European, 0.0022%; no homozygotes.

Submissions (3):

Labcorp Genetics (formerly Invitae), Labcorp
Classification: Pathogenic. Last evaluated: 2024-11-05. Review status: criteria provided, single submitter. Criteria: Invitae Variant Classification Sherloc (09022015). Collection method: clinical testing. Allele origin: germline.
Comment: This sequence change replaces arginine, which is basic and polar, with cysteine, which is neutral and slightly polar, at codon 294 of the NEU1 protein (p.Arg294Cys). This variant is present in population databases (rs190549838, gnomAD 0.003%). This missense change has been observed in individual(s) with autosomal recessive sialidosis (PMID: 11063730, 23391804). ClinVar contains an entry for this variant (Variation ID: 2708625). Invitae Evidence Modeling of protein sequence and biophysical properties (such as structural, functional, and spatial information, amino acid conservation, physicochemical variation, residue mobility, and thermodynamic stability) has been performed for this missense variant. However, the output from this modeling did not meet the statistical confidence thresholds required to predict the impact of this variant on NEU1 protein function. Experimental studies have shown that this missense change affects NEU1 function (PMID: 11063730). For these reasons, this variant has been classified as Pathogenic.

Palindrome, Gene Kavoshgaran Aria
Classification: Pathogenic for Sialidosis type 2. Last evaluated: 2024-07-07. Review status: criteria provided, single submitter. Criteria: ACMG Guidelines, 2015. Collection method: clinical testing. Allele origin: germline. Inheritance: Autosomal recessive inheritance. Affected: yes. Observed: 1 compound heterozygote.

Blueprint Genetics
Classification: Likely pathogenic for NEU1-related disorders. Last evaluated: 2021-11-25. Review status: criteria provided, single submitter. Criteria: ACMG Guidelines, 2015. Collection method: clinical testing. Allele origin: germline. Affected: yes. Observed: 3 variant alleles.

Literature cited by the submitters: PubMed 11063730 (cited by Labcorp Genetics (formerly Invitae), Labcorp); PubMed 23391804 (cited by Labcorp Genetics (formerly Invitae), Labcorp).

NM_000434.4(NEU1):c.880C>T (p.Arg294Cys)

Gene: NEU1 (neuraminidase 1; minus strand). Cytogenetic location: 6p21.33.
Variant type: single nucleotide variant.
Coding change: c.880C>T on transcript NM_000434.4 (MANE Select); coding-DNA position 880, C replaced by T.
Protein change: p.Arg294Cys; replaces arginine 294 with cysteine.
Molecular consequence: missense variant.
Genome position (GRCh38, 1-based): chr6:31,860,183, G>A on the plus strand (C>T on the coding strand, the complement: NEU1 is on the minus strand). VCF-style: chr6-31860183-G-A. GRCh37 (hg19) VCF-style: chr6-31827960-G-A.
Other names: short protein forms R294C.
Identifiers: ClinVar variation 2708625 (VCV002708625.6), dbSNP rs190549838, ClinGen allele CA136925687.